The following is an entry in ClinVar:

NM_144999.4(LRRC45):c.1926G>C (p.Glu642Asp)

Gene: LRRC45 (leucine rich repeat containing 45; plus strand). Cytogenetic location: 17q25.3.
Variant type: single nucleotide variant.
Coding change: c.1926G>C on transcript NM_144999.4 (MANE Select); coding-DNA position 1926, G replaced by C.
Protein change: p.Glu642Asp; replaces glutamic acid 642 with aspartic acid.
Molecular consequence: missense variant.
Genome position (GRCh38, 1-based): chr17:82,030,718, G>C. VCF-style: chr17-82030718-G-C. GRCh37 (hg19) VCF-style: chr17-79988594-G-C.
Other names: c.1926G>C (NM_144999.3); short protein forms E642D.
Identifiers: ClinVar variation 2454977 (VCV002454977.3), dbSNP rs776803731, ClinGen allele CA8848197.

ClinVar aggregate classification (germline): Uncertain significance. Review status: criteria provided, multiple submitters, no conflicts (2 of 4 stars). 2 submissions from 2 submitters: Uncertain significance (2). Last evaluated 2026-09-06.

Conditions:
LRRC45-related disorder. Also called: LRRC45-related condition.

Allele frequency attached by ClinVar (database versions not stated): gnomAD 0.00001; TOPMed 0.00001; ExAC 0.00004.
gnomAD v4.1: 12 of 1,501,082 alleles (0.0008%); highest among the groups gnomAD compares: Non-Finnish European, 0.00099%; no homozygotes.

Submissions (2):

PreventionGenetics, part of Exact Sciences
Classification: Uncertain significance for LRRC45-related condition. Last evaluated: 2026-09-06. Review status: criteria provided, single submitter. Criteria: ACMG Guidelines, 2015. Collection method: clinical testing. Allele origin: germline.
Comment: The LRRC45 c.1926G>C variant is predicted to result in the amino acid substitution p.Glu642Asp. To our knowledge, this variant has not been reported in the literature. This variant is reported in 0.013% of alleles in individuals of Ashkenazi Jewish descent in gnomAD. At this time, the clinical significance of this variant is uncertain due to the absence of conclusive functional and genetic evidence.

Ambry Genetics
Classification: Uncertain significance. Last evaluated: 2023-02-06. Review status: criteria provided, single submitter. Criteria: Ambry Variant Classification Scheme 2023. Collection method: clinical testing. Allele origin: germline.